The following is an entry in ClinVar:

NM_002025.4(AFF2):c.3571-5T>C

Gene: AFF2 (ALF transcription elongation factor 2; plus strand). Cytogenetic location: Xq28.
Variant type: single nucleotide variant.
Coding change: c.3571-5T>C on transcript NM_002025.4 (MANE Select); 5 bases into the intron before coding-DNA position 3571, T replaced by C.
Molecular consequence: intron variant.
Genome position (GRCh38, 1-based): chrX:148,980,733, T>C. VCF-style: chrX-148980733-T-C. GRCh37 (hg19) VCF-style: chrX-148062263-T-C.
Other names: c.3466-5T>C (NM_001169124.2, NM_001169122.2); c.3541-5T>C (NM_001169123.2); c.3454-5T>C (NM_001169125.2); c.2494-5T>C (NM_001170628.1).
Identifiers: ClinVar variation 4535254 (VCV004535254.6).

ClinVar aggregate classification (germline): Uncertain significance (1 of 4 stars; one submission).

Submission:

CeGaT Center for Human Genetics Tuebingen
Classification: Uncertain significance. Last evaluated: 2025-11-01. Review status: criteria provided, single submitter. Criteria: CeGaT Center For Human Genetics Tuebingen Variant Classification Criteria Version 2. Collection method: clinical testing. Allele origin: germline. Affected: yes. Observed: 1 variant allele.
Comment: AFF2: PM2, BP4